The following is an entry in ClinVar:

NM_000393.5(COL5A2):c.1394G>T (p.Gly465Val)

Gene: COL5A2 (collagen type V alpha 2 chain; minus strand). Cytogenetic location: 2q32.2.
Variant type: single nucleotide variant.
Coding change: c.1394G>T on transcript NM_000393.5 (MANE Select); coding-DNA position 1394, G replaced by T.
Protein change: p.Gly465Val; replaces glycine 465 with valine.
Molecular consequence: missense variant.
Genome position (GRCh38, 1-based): chr2:189,068,022, C>A on the plus strand (G>T on the coding strand, the complement: COL5A2 is on the minus strand). VCF-style: chr2-189068022-C-A. GRCh37 (hg19) VCF-style: chr2-189932748-C-A.
Other names: short protein forms G465V.
Identifiers: ClinVar variation 264206 (VCV000264206.5), dbSNP rs886039081, ClinGen allele CA10587550.

ClinVar aggregate classification (germline): Uncertain significance (1 of 4 stars; one submission).

Conditions:
Familial thoracic aortic aneurysm and aortic dissection (TAAD). Also called: Thoracic aortic aneurysms and dissections. Identifiers: Orphanet 91387, MedGen C4707243, MONDO:0019625.

Submission:

Ambry Genetics
Classification: Uncertain significance for Familial thoracic aortic aneurysm and aortic dissection. Last evaluated: 2015-08-07. Review status: criteria provided, single submitter. Criteria: Ambry Variant Classification Scheme 2023. Collection method: clinical testing. Allele origin: germline.
Comment: The p.G465V variant (also known as c.1394G>T), located in coding exon 21 of the COL5A2 gene, results from a G to T substitution at nucleotide position 1394. The glycine at codon 465 is replaced by valine, an amino acid with dissimilar properties. This variant was not reported in population based cohorts in the following databases: Database of Single Nucleotide Polymorphisms (dbSNP), NHLBI Exome Sequencing Project (ESP), and 1000 Genomes Project. In the ESP, this variant was not observed in 6503 samples (13006 alleles) with coverage at this position. This amino acid position is highly conserved in available vertebrate species. In addition, this alteration is predicted to be deleterious by in silico analysis. Since supporting evidence is limited at this time, the clinical significance of this variant remains unclear.